The following is an entry in ClinVar:

ClinVar aggregate classification (germline): Uncertain significance (1 of 4 stars; one submission).

Conditions:
Acute myeloid leukemia (AML). Also called: Leukemia, acute myeloid, somatic; Leukemia, acute myelogenous, somatic; Acute myeloid leukemia, adult; AML adult; Acute non-lymphocytic leukemia; Acute granulocytic leukemia. Identifiers: Orphanet 519, MedGen C0023467, MeSH D015470, MONDO:0018874, OMIM 601626, HP:0004808. Disease mechanism: Constitutively activated FLT3.

Submission:

Labcorp Genetics (formerly Invitae), Labcorp
Classification: Uncertain significance for Acute myeloid leukemia. Last evaluated: 2021-03-29. Review status: criteria provided, single submitter. Criteria: Invitae Variant Classification Sherloc (09022015). Collection method: clinical testing. Allele origin: germline.
Comment: This sequence change replaces valine with aspartic acid at codon 150 of the CEBPA protein (p.Val150Asp). The valine residue is weakly conserved and there is a large physicochemical difference between valine and aspartic acid. The frequency data for this variant in the population databases is considered unreliable, as metrics indicate insufficient coverage at this position in the ExAC database. In summary, the available evidence is currently insufficient to determine the role of this variant in disease. Therefore, it has been classified as a Variant of Uncertain Significance. Algorithms developed to predict the effect of missense changes on protein structure and function are either unavailable or do not agree on the potential impact of this missense change (SIFT: "Deleterious"; PolyPhen-2: "Benign"; Align-GVGD: "Class C0"). This variant has not been reported in the literature in individuals with CEBPA-related conditions.

NM_004364.5(CEBPA):c.449T>A (p.Val150Asp)

Gene: CEBPA (CCAAT enhancer binding protein alpha; minus strand). Cytogenetic location: 19q13.11.
Variant type: single nucleotide variant.
Coding change: c.449T>A on transcript NM_004364.5 (MANE Select); coding-DNA position 449, T replaced by A.
Protein change: p.Val150Asp; replaces valine 150 with aspartic acid.
Molecular consequence: missense variant.
Genome position (GRCh38, 1-based): chr19:33,301,966, A>T on the plus strand (T>A on the coding strand, the complement: CEBPA is on the minus strand). VCF-style: chr19-33301966-A-T. GRCh37 (hg19) VCF-style: chr19-33792872-A-T.
Other names: c.92T>A, p.Val31Asp (NM_001285829.2); c.554T>A, p.Val185Asp (NM_001287424.2); c.407T>A, p.Val136Asp (NM_001287435.2); short protein forms V185D, V136D, V31D, V150D.
Identifiers: ClinVar variation 1383287 (VCV001383287.8), dbSNP rs2145262045, ClinGen allele CA405274928.